The following is an entry in ClinVar:

ClinVar aggregate classification (germline): Uncertain significance (1 of 4 stars; one submission).

gnomAD v4.1: 1 of 1,614,120 alleles (0.000062%); no homozygotes.

Submission:

Labcorp Genetics (formerly Invitae), Labcorp
Classification: Uncertain significance. Last evaluated: 2023-07-11. Review status: criteria provided, single submitter. Criteria: Invitae Variant Classification Sherloc (09022015). Collection method: clinical testing. Allele origin: germline.
Comment: This sequence change replaces tyrosine, which is neutral and polar, with phenylalanine, which is neutral and non-polar, at codon 693 of the RHOBTB2 protein (p.Tyr693Phe). This variant is not present in population databases (gnomAD no frequency). This variant has not been reported in the literature in individuals affected with RHOBTB2-related conditions. Advanced modeling of protein sequence and biophysical properties (such as structural, functional, and spatial information, amino acid conservation, physicochemical variation, residue mobility, and thermodynamic stability) performed at Invitae indicates that this missense variant is not expected to disrupt RHOBTB2 protein function. In summary, the available evidence is currently insufficient to determine the role of this variant in disease. Therefore, it has been classified as a Variant of Uncertain Significance.

NM_015178.3(RHOBTB2):c.2012A>T (p.Tyr671Phe)

Gene: RHOBTB2 (Rho related BTB domain containing 2; plus strand). Cytogenetic location: 8p21.3.
Variant type: single nucleotide variant.
Coding change: c.2012A>T on transcript NM_015178.3 (MANE Select); coding-DNA position 2012, A replaced by T.
Protein change: p.Tyr671Phe; replaces tyrosine 671 with phenylalanine.
Molecular consequence: missense variant.
Genome position (GRCh38, 1-based): chr8:23,017,297, A>T. VCF-style: chr8-23017297-A-T. GRCh37 (hg19) VCF-style: chr8-22874810-A-T.
Other names: c.2078A>T, p.Tyr693Phe (NM_001160036.2); c.2033A>T, p.Tyr678Phe (NM_001160037.2); c.2012A>T, p.Tyr671Phe (NM_001374791.1); short protein forms Y678F, Y671F, Y693F.
Identifiers: ClinVar variation 2849963 (VCV002849963.3), dbSNP rs2128808663, ClinGen allele CA370577098.